The following is an entry in ClinVar:

ClinVar aggregate classification (germline): Uncertain significance (1 of 4 stars; one submission).

Conditions:
Inborn genetic diseases. Identifiers: MedGen C0950123, MeSH D030342.

Submission:

Ambry Genetics
Classification: Uncertain significance for Inborn genetic diseases. Last evaluated: 2025-08-24. Review status: criteria provided, single submitter. Criteria: Ambry Variant Classification Scheme 2023. Collection method: clinical testing. Allele origin: germline.
Comment: The p.G828D variant (also known as c.2483G>A), located in coding exon 16 of the PIK3CA gene, results from a G to A substitution at nucleotide position 2483. The glycine at codon 828 is replaced by aspartic acid, an amino acid with similar properties. This amino acid position is conserved. In addition, the in silico prediction for this alteration is inconclusive. Based on the available evidence, the clinical significance of this variant remains unclear.

NM_006218.4(PIK3CA):c.2483G>A (p.Gly828Asp)

Gene: PIK3CA (phosphatidylinositol-4,5-bisphosphate 3-kinase catalytic subunit alpha; plus strand). Cytogenetic location: 3q26.32.
Variant type: single nucleotide variant.
Coding change: c.2483G>A on transcript NM_006218.4 (MANE Select); coding-DNA position 2483, G replaced by A.
Protein change: p.Gly828Asp; replaces glycine 828 with aspartic acid.
Molecular consequence: missense variant.
Genome position (GRCh38, 1-based): chr3:179,226,028, G>A. VCF-style: chr3-179226028-G-A. GRCh37 (hg19) VCF-style: chr3-178943816-G-A.
Other names: short protein forms G828D.
Identifiers: ClinVar variation 4136805 (VCV004136805.1).